The following is an entry in ClinVar:

NM_000154.2(GALK1):c.1097G>C (p.Arg366Pro)

Gene: GALK1 (galactokinase 1; minus strand). Cytogenetic location: 17q25.1.
Variant type: single nucleotide variant.
Coding change: c.1097G>C on transcript NM_000154.2 (MANE Select); coding-DNA position 1097, G replaced by C.
Protein change: p.Arg366Pro; replaces arginine 366 with proline.
Molecular consequence: missense variant.
Genome position (GRCh38, 1-based): chr17:75,758,220, C>G on the plus strand (G>C on the coding strand, the complement: GALK1 is on the minus strand). VCF-style: chr17-75758220-C-G. GRCh37 (hg19) VCF-style: chr17-73754301-C-G.
Other names: c.1097G>C, p.Arg366Pro (NM_001381985.1); short protein forms R366P.
Identifiers: ClinVar variation 4744286 (VCV004744286.1).
Genomic context (GRCh38, chr17:75,758,220, plus strand): 5'-GCCCCGGGAAGCTGCCGCTCCTGCCCGCCCAGGCCCTGGTGCCCGCCCACCTGGATGTGC[C>G]GCATGGCGTGGGGAGCAGCGGAGGCCTCCAGCAGTGTCACCGTGCAGCCACCGAAGCCAC-3'
Protein context (NP_000145.1, residues 356-376): LEASAAPHAM[Arg366Pro]HIQEHYGGTA

ClinVar aggregate classification (germline): Uncertain significance (1 of 4 stars; one submission).

Conditions:
Deficiency of galactokinase. Also called: Galactokinase deficiency with cataracts; GALACTOSEMIA II. Identifiers: Orphanet 352, Orphanet 79237, MedGen C0268155, MONDO:0009255, OMIM 230200.

gnomAD v4.1: 1 of 1,606,010 alleles (0.000062%); highest among the groups gnomAD compares: Non-Finnish European, 0.000085%; no homozygotes.

Submission:

Labcorp Genetics (formerly Invitae), Labcorp
Classification: Uncertain significance for Deficiency of galactokinase. Last evaluated: 2025-12-17. Review status: criteria provided, single submitter. Criteria: Invitae Variant Classification Sherloc (09022015). Collection method: clinical testing. Allele origin: germline.
Comment: This sequence change replaces arginine, which is basic and polar, with proline, which is neutral and non-polar, at codon 366 of the GALK1 protein (p.Arg366Pro). This variant is not present in population databases (gnomAD no frequency). This variant has not been reported in the literature in individuals affected with GALK1-related conditions. Invitae Evidence Modeling of protein sequence and biophysical properties (such as structural, functional, and spatial information, amino acid conservation, physicochemical variation, residue mobility, and thermodynamic stability) indicates that this missense variant is not expected to disrupt GALK1 protein function with a negative predictive value of 80%. In summary, the available evidence is currently insufficient to determine the role of this variant in disease. Therefore, it has been classified as a Variant of Uncertain Significance.